The following is an entry in ClinVar:

ClinVar aggregate classification (germline): Likely benign (1 of 4 stars; one submission).

Conditions:
Neurofibromatosis, type 1 (NF1). Also called: VON RECKLINGHAUSEN DISEASE; NEUROFIBROMATOSIS, TYPE I, SOMATIC; Peripheral type neurofibromatosis; Neurofibromatosis, type I. Identifiers: Orphanet 636, MedGen C0027831, MONDO:0018975, OMIM 162200. Disease mechanism: loss of function.

Submission:

Myriad Genetics, Inc.
Classification: Likely benign for Neurofibromatosis, type 1. Last evaluated: 2026-09-22. Review status: criteria provided, single submitter. Criteria: Myriad Autosomal Dominant, Autosomal Recessive and X-Linked Classification Criteria (2023). Collection method: clinical testing. Allele origin: unknown.
Comment: This variant is considered likely benign. This variant is intronic and is not expected to impact mRNA splicing.

NM_001042492.3(NF1):c.6643-6T>C

Gene: NF1 (neurofibromin 1; plus strand). Cytogenetic location: 17q11.2.
Variant type: single nucleotide variant.
Coding change: c.6643-6T>C on transcript NM_001042492.3 (MANE Select); 6 bases into the intron before coding-DNA position 6643, T replaced by C.
Molecular consequence: intron variant.
Genome position (GRCh38, 1-based): chr17:31,337,813, T>C. VCF-style: chr17-31337813-T-C. GRCh37 (hg19) VCF-style: chr17-29664831-T-C.
Other names: c.6580-6T>C (NM_000267.4).
Identifiers: ClinVar variation 5042189 (VCV005042189.1).
Genomic context (GRCh38, chr17:31,337,813, plus strand): 5'-AACATTATTTAAACAGTTCTAAAAACATTTATGTACAATATGTATTCAGAGTATCCCCTT[T>C]TTTAGGCATGCATGAGAGATATTCCAACGTGCAAGTGGCTGGACCAGTGGACAGAACTAG-3'